The following is an entry in ClinVar:

ClinVar aggregate classification (germline): Uncertain significance. Review status: criteria provided, multiple submitters, no conflicts (2 of 4 stars). 2 submissions from 2 submitters: Uncertain significance (2). Last evaluated 2026-08-10.

Conditions:
PCNT-related disorder. Also called: PCNT-related condition.

Submissions (2):

PreventionGenetics, part of Exact Sciences
Classification: Uncertain significance for PCNT-related condition. Last evaluated: 2026-08-10. Review status: criteria provided, single submitter. Criteria: ACMG Guidelines, 2015. Collection method: clinical testing. Allele origin: germline.
Comment: The PCNT c.5879_5902del24 variant is predicted to result in an in-frame deletion (p.Arg1960_Gln1967del). To our knowledge, this variant has not been reported in the literature. This variant is reported in 0.050% of alleles in individuals of Latino descent in gnomAD. At this time, the clinical significance of this variant is uncertain due to the absence of conclusive functional and genetic evidence.

Labcorp Genetics (formerly Invitae), Labcorp
Classification: Uncertain significance. Last evaluated: 2025-04-09. Review status: criteria provided, single submitter. Criteria: Invitae Variant Classification Sherloc (09022015). Collection method: clinical testing. Allele origin: germline.
Comment: This variant, c.5879_5902del, results in the deletion of 8 amino acid(s) of the PCNT protein (p.Arg1960_Gln1967del), but otherwise preserves the integrity of the reading frame. This variant is present in population databases (rs747612544, gnomAD 0.05%). This variant has not been reported in the literature in individuals affected with PCNT-related conditions. ClinVar contains an entry for this variant (Variation ID: 2074206). Experimental studies and prediction algorithms are not available or were not evaluated, and the functional significance of this variant is currently unknown. In summary, the available evidence is currently insufficient to determine the role of this variant in disease. Therefore, it has been classified as a Variant of Uncertain Significance.

NM_006031.6(PCNT):c.5879_5902del (p.Arg1960_Gln1967del)

Gene: PCNT (pericentrin; plus strand). Cytogenetic location: 21q22.3.
Variant type: Deletion.
Coding change: c.5879_5902del on transcript NM_006031.6 (MANE Select); coding-DNA positions 5879 to 5902, 24 bases deleted (GGGTGCCCGGGGCCCACCCACAGC).
Protein change: p.Arg1960_Gln1967del.
Molecular consequence: inframe deletion.
Genome position (GRCh38, 1-based): chr21:46,411,952-46,411,975, GGGTGCCCGGGGCCCACCCACAGC deleted; deleting any 24 consecutive bases within chr21:46,411,951-46,411,975 gives the same sequence; the c. name uses the placement nearest the transcript's 3' end. VCF-style (leftmost placement, unchanged base first): chr21-46411950-ACGGGTGCCCGGGGCCCACCCACAG-A. GRCh37 (hg19) VCF-style: chr21-47831864-ACGGGTGCCCGGGGCCCACCCACAG-A.
Other names: c.5879_5902del24 (NM_006031.5); c.5525_5548del, p.Arg1842_Gln1849del (NM_001315529.2).
Identifiers: ClinVar variation 2074206 (VCV002074206.6), dbSNP rs747612544, ClinGen allele CA10080109.